The following is an entry in ClinVar:

NM_017721.5(CC2D1A):c.1751G>A (p.Arg584Gln)

Gene: CC2D1A (coiled-coil and C2 domain containing 1A; plus strand). Cytogenetic location: 19p13.12.
Variant type: single nucleotide variant.
Coding change: c.1751G>A on transcript NM_017721.5 (MANE Select); coding-DNA position 1751, G replaced by A.
Protein change: p.Arg584Gln; replaces arginine 584 with glutamine.
Molecular consequence: missense variant.
Genome position (GRCh38, 1-based): chr19:13,923,442, G>A. VCF-style: chr19-13923442-G-A. GRCh37 (hg19) VCF-style: chr19-14034255-G-A.
Other names: short protein forms R584Q.
Identifiers: ClinVar variation 749355 (VCV000749355.9), dbSNP rs34204315, ClinGen allele CA9244777.

ClinVar aggregate classification (germline): Benign/Likely benign. Review status: criteria provided, multiple submitters, no conflicts (2 of 4 stars). 3 submissions from 3 submitters: Benign (1); Likely benign (2). Last evaluated 2026-07-01.

Conditions:
Inborn genetic diseases. Identifiers: MedGen C0950123, MeSH D030342.

Allele frequency attached by ClinVar (database versions not stated): ESP Exome Variant Server 0.00024; gnomAD 0.00026 and 0.00029; TOPMed 0.00033; ExAC 0.00044; gnomAD exomes 0.00061.
gnomAD v4.1: 517 of 1,613,926 alleles (0.032%); highest among the groups gnomAD compares: Admixed American, 0.018%; 2 homozygotes.

Submissions (3):

CeGaT Center for Human Genetics Tuebingen
Classification: Likely benign. Last evaluated: 2026-07-01. Review status: criteria provided, single submitter. Criteria: CeGaT Center For Human Genetics Tuebingen Variant Classification Criteria Version 2. Collection method: clinical testing. Allele origin: germline. Affected: yes. Observed: 1 variant allele.
Comment: CC2D1A: BS1

Labcorp Genetics (formerly Invitae), Labcorp
Classification: Benign. Last evaluated: 2025-12-31. Review status: criteria provided, single submitter. Criteria: Invitae Variant Classification Sherloc (09022015). Collection method: clinical testing. Allele origin: germline.

Ambry Genetics
Classification: Likely benign for Inborn genetic diseases. Last evaluated: 2024-02-26. Review status: criteria provided, single submitter. Criteria: Ambry Variant Classification Scheme 2023. Collection method: clinical testing. Allele origin: germline.